The following is an entry in ClinVar:

NM_005506.4(SCARB2):c.704+217T>G

Gene: SCARB2 (scavenger receptor class B member 2; minus strand). Cytogenetic location: 4q21.1.
Variant type: single nucleotide variant.
Coding change: c.704+217T>G on transcript NM_005506.4 (MANE Select); 217 bases into the intron after coding-DNA position 704, T replaced by G.
Molecular consequence: intron variant.
Genome position (GRCh38, 1-based): chr4:76,176,220, A>C on the plus strand (T>G on the coding strand, the complement: SCARB2 is on the minus strand). VCF-style: chr4-76176220-A-C. GRCh37 (hg19) VCF-style: chr4-77097373-A-C.
Other names: c.276-310T>G (NM_001204255.2).
Identifiers: ClinVar variation 669323 (VCV000669323.1), dbSNP rs28563976, ClinGen allele CA15301395.
Genomic context (GRCh38, chr4:76,176,220, plus strand): 5'-TACTACACATCACTCAATGACTACTAAGCAAGAGTGGGACTTTTCACTGGCCTGTAATTC[A>C]TGCCTGGCCATGATAAATCTACAAATCACTAATATTTAATCTGTAAGATGTTTTACCACC-3'

ClinVar aggregate classification (germline): Benign (1 of 4 stars; one submission).

Allele frequency attached by ClinVar (database versions not stated): gnomAD 0.12639 and 0.13045; TOPMed 0.13684; 1000 Genomes Project 30x 0.16052; 1000 Genomes Project 0.16214; gnomAD exomes 0.16620.
gnomAD v4.1: 94,656 of 603,362 alleles (16%); highest among the groups gnomAD compares: East Asian, 34%; 8,948 homozygotes.

Submission:

GeneDx
Classification: Benign. Last evaluated: 2018-06-19. Review status: criteria provided, single submitter. Criteria: GeneDx Variant Classification (06012015). Collection method: clinical testing. Allele origin: germline. Affected: yes.
Comment: This variant is considered likely benign or benign based on one or more of the following criteria: it is a conservative change, it occurs at a poorly conserved position in the protein, it is predicted to be benign by multiple in silico algorithms, and/or has population frequency not consistent with disease.